The following is an entry in ClinVar:

NM_003036.4(SKI):c.1123C>T (p.Arg375Cys)

Gene: SKI (SKI proto-oncogene; plus strand). Cytogenetic location: 1p36.32.
Variant type: single nucleotide variant.
Coding change: c.1123C>T on transcript NM_003036.4 (MANE Select); coding-DNA position 1123, C replaced by T.
Protein change: p.Arg375Cys; replaces arginine 375 with cysteine.
Molecular consequence: missense variant.
Genome position (GRCh38, 1-based): chr1:2,303,312, C>T. VCF-style: chr1-2303312-C-T. GRCh37 (hg19) VCF-style: chr1-2234751-C-T.
Other names: p.(Arg375Cys); short protein forms R375C.
Identifiers: ClinVar variation 566759 (VCV000566759.18), dbSNP rs1038237858, ClinGen allele CA16895561.

ClinVar aggregate classification (germline): Uncertain significance. Review status: criteria provided, multiple submitters, no conflicts (2 of 4 stars). 4 submissions from 4 submitters: Uncertain significance (4). Last evaluated 2024-11-27.

Conditions:
Familial thoracic aortic aneurysm and aortic dissection (TAAD). Also called: Thoracic aortic aneurysms and dissections. Identifiers: Orphanet 91387, MedGen C4707243, MONDO:0019625.
Shprintzen-Goldberg syndrome (SGS). Also called: Marfanoid disorder with craniosynostosis type 1; Marfanoid craniosynostosis syndrome; Shprintzen-Goldberg marfanoid syndrome; SHPRINTZEN-GOLDBERG CRANIOSYNOSTOSIS SYNDROME; CRANIOSYNOSTOSIS WITH ARACHNODACTYLY AND ABDOMINAL HERNIAS. Identifiers: Orphanet 2462, MedGen C1321551, MONDO:0008426, OMIM 182212.

Allele frequency attached by ClinVar (database versions not stated): TOPMed 0.00002; gnomAD exomes below 0.00001.
gnomAD v4.1: 5 of 1,613,794 alleles (0.00031%); highest among the groups gnomAD compares: African/African-American, 0.0013%; no homozygotes.

Submissions (4):

Ambry Genetics
Classification: Uncertain significance for Familial thoracic aortic aneurysm and aortic dissection. Last evaluated: 2024-11-27. Review status: criteria provided, single submitter. Criteria: Ambry Variant Classification Scheme 2023. Collection method: clinical testing. Allele origin: germline.
Comment: The p.R375C variant (also known as c.1123C>T), located in coding exon 3 of the SKI gene, results from a C to T substitution at nucleotide position 1123. The arginine at codon 375 is replaced by cysteine, an amino acid with highly dissimilar properties. This amino acid position is conserved. In addition, this alteration is predicted to be deleterious by in silico analysis. Based on the available evidence, the clinical significance of this variant remains unclear.

Labcorp Genetics (formerly Invitae), Labcorp
Classification: Uncertain significance for Shprintzen-Goldberg syndrome. Last evaluated: 2022-10-15. Review status: criteria provided, single submitter. Criteria: Invitae Variant Classification Sherloc (09022015). Collection method: clinical testing. Allele origin: germline.
Comment: This sequence change replaces arginine, which is basic and polar, with cysteine, which is neutral and slightly polar, at codon 375 of the SKI protein (p.Arg375Cys). This variant is not present in population databases (gnomAD no frequency). In summary, the available evidence is currently insufficient to determine the role of this variant in disease. Therefore, it has been classified as a Variant of Uncertain Significance. Advanced modeling of protein sequence and biophysical properties (such as structural, functional, and spatial information, amino acid conservation, physicochemical variation, residue mobility, and thermodynamic stability) performed at Invitae indicates that this missense variant is expected to disrupt SKI protein function. ClinVar contains an entry for this variant (Variation ID: 566759). This variant has not been reported in the literature in individuals affected with SKI-related conditions.

Mayo Clinic Laboratories, Mayo Clinic
Classification: Uncertain significance. Last evaluated: 2020-09-25. Review status: criteria provided, single submitter. Criteria: ACMG Guidelines, 2015. Collection method: clinical testing. Allele origin: germline. Observed: 1 variant allele.

GeneDx
Classification: Uncertain significance. Last evaluated: 2019-05-14. Review status: criteria provided, single submitter. Criteria: GeneDx Variant Classification Process June 2021. Collection method: clinical testing. Allele origin: germline. Affected: yes.
Comment: Has not been previously published as pathogenic or benign to our knowledge; Reported in ClinVar as a variant of uncertain significance but additional evidence is not available (ClinVar Variant ID# 566759; Landrum et al., 2016); Not observed in large population cohorts (Lek et al., 2016); In silico analysis, which includes protein predictors and evolutionary conservation, supports a deleterious effect